The following is an entry in ClinVar:

NM_001162501.2(TNRC6B):c.4901C>T (p.Ser1634Leu)

Gene: TNRC6B (trinucleotide repeat containing adaptor 6B; plus strand). Cytogenetic location: 22q13.1.
Variant type: single nucleotide variant.
Coding change: c.4901C>T on transcript NM_001162501.2 (MANE Select); coding-DNA position 4901, C replaced by T.
Protein change: p.Ser1634Leu; replaces serine 1634 with leucine.
Molecular consequence: missense variant.
Genome position (GRCh38, 1-based): chr22:40,315,505, C>T. VCF-style: chr22-40315505-C-T. GRCh37 (hg19) VCF-style: chr22-40711509-C-T.
Other names: NC_000022.10:g.40711509C>T; c.2489C>T, p.Ser830Leu (NM_001024843.2); c.4571C>T, p.Ser1524Leu (NM_015088.3); short protein forms S1524L, S1634L, S830L.
Identifiers: ClinVar variation 2572763 (VCV002572763.3), dbSNP rs1367455484, ClinGen allele CA411670809.

ClinVar aggregate classification (germline): Uncertain significance (1 of 4 stars; one submission).

Allele frequency attached by ClinVar (database versions not stated): gnomAD exomes below 0.00001; gnomAD 0.00001; TOPMed 0.00001.
gnomAD v4.1: 3 of 1,613,696 alleles (0.00019%); highest among the groups gnomAD compares: African/African-American, 0.0013%; no homozygotes.

Submissions (2):

GeneDx
Classification: Uncertain significance. Last evaluated: 2025-08-16. Review status: criteria provided, single submitter. Criteria: GeneDx Variant Classification Process June 2021. Collection method: clinical testing. Allele origin: germline. Affected: yes.
Comment: Not observed at significant frequency in large population cohorts (gnomAD); In silico analysis supports that this missense variant has a deleterious effect on protein structure/function; Has not been previously published as pathogenic or benign to our knowledge

Dr. Peter K. Rogan Lab, Western University
No classification provided (evidence only). Condition: Gastric cancer. Review status: no classification provided. Collection method: in vitro. Allele origin: not applicable. Functional consequence: retained intron. Not counted in ClinVar's aggregate classification.